The following is an entry in ClinVar:

ClinVar aggregate classification (germline): Conflicting classifications of pathogenicity. Review status: criteria provided, conflicting classifications (1 of 4 stars). 7 submissions from 7 submitters: Uncertain significance (4); Benign (1); Likely benign (2). Last evaluated 2026-01-21.

Conditions:
Hereditary nonpolyposis colorectal neoplasms. Identifiers: MedGen C0009405, MeSH D003123.
Hereditary cancer-predisposing syndrome. Also called: Tumor predisposition; Hereditary neoplastic syndrome; Neoplastic Syndromes, Hereditary; Hereditary Cancer Syndrome. Identifiers: Orphanet 140162, MedGen C0027672, MeSH D009386, MONDO:0015356.
Lynch syndrome. Identifiers: Orphanet 144, MedGen C4552100, MONDO:0005835. Disease mechanism: loss of function.

Submissions (7):

Labcorp Genetics (formerly Invitae), Labcorp
Classification: Benign for Hereditary nonpolyposis colorectal neoplasms. Last evaluated: 2026-01-21. Review status: criteria provided, single submitter. Criteria: Invitae Variant Classification Sherloc (09022015). Collection method: clinical testing. Allele origin: germline.

Ambry Genetics
Classification: Likely benign for Hereditary cancer-predisposing syndrome. Last evaluated: 2025-12-19. Review status: criteria provided, single submitter. Criteria: Ambry Variant Classification Scheme 2023. Collection method: clinical testing. Allele origin: germline.

Quest Diagnostics Nichols Institute San Juan Capistrano
Classification: Uncertain significance. Last evaluated: 2025-06-10. Review status: criteria provided, single submitter. Criteria: Quest Diagnostics criteria. Collection method: clinical testing. Allele origin: unknown.
Comment: The PMS2 c.779_780delinsTG (p.Ser260Leu) variant has been reported in the published literature in an individual with pancreatic cancer (PMID: 32255556 (2020)). This variant has not been reported in large, multi-ethnic general populations (Genome Aggregation Database). Analysis of this variant using bioinformatics tools for the prediction of the effect of amino acid changes on protein structure and function yielded predictions that this variant is benign. Based on the available information, we are unable to determine the clinical significance of this variant.

GeneDx
Classification: Uncertain significance. Last evaluated: 2025-04-21. Review status: criteria provided, single submitter. Criteria: GeneDx Variant Classification Process June 2021. Collection method: clinical testing. Allele origin: germline. Affected: yes.
Comment: In silico analysis supports a deleterious effect on protein structure/function; Observed in an individual with pancreatic cancer (PMID: 32255556); This variant is associated with the following publications: (PMID: 32255556, 11574484)

Department of Pathology and Laboratory Medicine, Sinai Health System
Classification: Uncertain significance for Lynch syndrome. Last evaluated: 2024-04-03. Review status: criteria provided, single submitter. Criteria: ACMG Guidelines, 2015. Collection method: clinical testing. Allele origin: germline. Affected: yes.

Color Diagnostics, LLC DBA Color Health
Classification: Likely benign for Hereditary cancer-predisposing syndrome. Last evaluated: 2022-05-09. Review status: criteria provided, single submitter. Criteria: ACMG Guidelines, 2015. Collection method: clinical testing. Allele origin: germline.

Sema4
Classification: Uncertain significance for Hereditary cancer-predisposing syndrome. Last evaluated: 2021-06-24. Review status: criteria provided, single submitter. Criteria: Sema4 Curation Guidelines. Collection method: curation. Allele origin: germline.
Comment: The PMS2 c.779_780delinsTG (p.S260L) variant has been reported in heterozygosity in at least one individual with pancreatic cancer (PMID: 32255556). It was not observed in the large and broad cohorts of the Genome Aggregation Database. The variant has been reported in ClinVar (Variation ID 182818). In silico tools suggest the impact of the variant on protein function is benign, though these predictions have not been confirmed by functional studies. The evidence is insufficient to meet ACMG/AMP criteria for classifying the variant as benign or pathogenic. Thus, the clinical significance of this variant is currently uncertain.

Literature cited by the submitters: PubMed 32255556 (cited by 3 submitters).

NM_000535.7(PMS2):c.779_780delinsTG (p.Ser260Leu)

Gene: PMS2 (PMS1 homolog 2, mismatch repair system component; minus strand). Cytogenetic location: 7p22.1.
Variant type: Indel.
Coding change: c.779_780delinsTG on transcript NM_000535.7 (MANE Select); coding-DNA positions 779 to 780, CC replaced by TG.
Protein change: p.Ser260Leu; replaces serine 260 with leucine.
Molecular consequence: missense variant. On other transcripts: 5 prime UTR variant (2), non-coding transcript variant (1).
Genome position (GRCh38, 1-based): chr7:5,997,349-5,997,350, GG replaced by CA on the plus strand (CC replaced by TG on the coding strand, the reverse complement: PMS2 is on the minus strand). VCF-style: chr7-5997349-GG-CA. GRCh37 (hg19) VCF-style: chr7-6036980-GG-CA.
Other names: p.S260L:TCC>TTG; c.374_375delinsTG, p.Ser125Leu (NM_001322003.2, NM_001322004.2, NM_001322005.2 and 2 more transcripts); c.779_780delinsTG, p.Ser260Leu (NM_001322006.2, NM_001322014.2); c.461_462delinsTG, p.Ser154Leu (NM_001322007.2, NM_001322008.2); c.-155_-154delinsTG (NM_001322011.2, NM_001322012.2); c.206_207delinsTG, p.Ser69Leu (NM_001322013.2); c.470_471delinsTG, p.Ser157Leu (NM_001322015.2); c.779_780delinsTG (NM_000535.6, NM_000535.5); short protein forms S260L, S154L, S125L, S157L, S69L.
Identifiers: ClinVar variation 182818 (VCV000182818.31), dbSNP rs730881920, ClinGen allele CA012801.
Genomic context (GRCh38, chr7:5,997,349, plus strand): 5'-TGTTCAATTGTAGTTCTCTTGCCAGCAATCTACTTACTAAAAAAGATTATGCAGAGCATC[GG>CA]AACAGCTCAAACCGTACTCTTCACACACGGAGTCACTAGGGGGCAGCTGAACAAAAGGAA-3'
Protein context (NP_000526.2, residues 250-270): SVCEEYGLSC[Ser260Leu]DALHNLFYIS